The following is an entry in ClinVar:

NM_007294.4(BRCA1):c.1100C>A (p.Thr367Asn)

Gene: BRCA1 (BRCA1 DNA repair associated; minus strand). Cytogenetic location: 17q21.31.
Variant type: single nucleotide variant.
Coding change: c.1100C>A on transcript NM_007294.4 (MANE Select); coding-DNA position 1100, C replaced by A.
Protein change: p.Thr367Asn; replaces threonine 367 with asparagine.
Molecular consequence: missense variant. On other transcripts: intron variant (137).
Genome position (GRCh38, 1-based): chr17:43,094,431, G>T on the plus strand (C>A on the coding strand, the complement: BRCA1 is on the minus strand). VCF-style: chr17-43094431-G-T. GRCh37 (hg19) VCF-style: chr17-41246448-G-T.
Other names: c.1100C>A, p.Thr367Asn (NM_001407596.1, NM_001407597.1, NM_001407598.1 and 30 more transcripts); c.1097C>A, p.Thr366Asn (NM_001407610.1, NM_001407611.1, NM_001407612.1 and 22 more transcripts); c.1091C>A, p.Thr364Asn (NM_001407646.1, NM_001407647.1); c.977C>A, p.Thr326Asn (NM_001407648.1, NM_001407664.1, NM_001407665.1 and 19 more transcripts); c.974C>A, p.Thr325Asn (NM_001407649.1, NM_001407670.1, NM_001407671.1 and 11 more transcripts); c.1022C>A, p.Thr341Asn (NM_001407653.1, NM_001407654.1, NM_001407655.1 and 4 more transcripts); c.1019C>A, p.Thr340Asn (NM_001407659.1, NM_001407660.1, NM_001407661.1 and 1 more transcripts); c.959C>A, p.Thr320Asn (NM_001407692.1, NM_001407694.1, NM_001407695.1 and 29 more transcripts); and 40 more; short protein forms T278N, T279N, T366N, T256N, T297N, T326N, T255N, T296N.
Identifiers: ClinVar variation 2139078 (VCV002139078.8), dbSNP rs1238929596, ClinGen allele CA10599858.

ClinVar aggregate classification (germline): Conflicting classifications of pathogenicity. Review status: criteria provided, conflicting classifications (1 of 4 stars). 3 submissions from 3 submitters: Uncertain significance (2); Likely benign (1). Last evaluated 2023-06-11.

Conditions:
Hereditary cancer-predisposing syndrome. Also called: Neoplastic Syndromes, Hereditary; Hereditary Cancer Syndrome; Tumor predisposition; Hereditary neoplastic syndrome. Identifiers: Orphanet 140162, MedGen C0027672, MeSH D009386, MONDO:0015356.
Hereditary breast ovarian cancer syndrome. Also called: Hereditary breast and ovarian cancer; Hereditary breast and/or ovarian cancer syndrome; Breast and ovarian cancer; Hereditary breast and ovarian cancer syndrome; Hereditary breast and ovarian cancer syndrome (HBOC); BRCA1- and BRCA2-Associated Hereditary Breast and Ovarian Cancer. Identifiers: Orphanet 145, MedGen C0677776, MeSH D061325, MONDO:0003582. Disease mechanism: loss of function.

Submissions (3):

Ambry Genetics
Classification: Uncertain significance for Hereditary cancer-predisposing syndrome. Last evaluated: 2023-06-11. Review status: criteria provided, single submitter. Criteria: Ambry Variant Classification Scheme 2023. Collection method: clinical testing. Allele origin: germline.
Comment: The p.T367N variant (also known as c.1100C>A), located in coding exon 9 of the BRCA1 gene, results from a C to A substitution at nucleotide position 1100. The threonine at codon 367 is replaced by asparagine, an amino acid with similar properties. This amino acid position is conserved. In addition, the in silico prediction for this alteration is inconclusive. Since supporting evidence is limited at this time, the clinical significance of this alteration remains unclear.

University of Washington Department of Laboratory Medicine, University of Washington
Classification: Likely benign for Hereditary cancer-predisposing syndrome. Last evaluated: 2023-03-23. Review status: criteria provided, single submitter. Criteria: Dines et al. (Genet Med. 2020). Collection method: curation. Allele origin: germline.
Comment: Missense variant in a coldspot region where missense variants are very unlikely to be pathogenic (PMID:31911673).

BRCA1 coldspot (exon 11 using historical exon numbering). Reclassification based on statistical prior probability

Labcorp Genetics (formerly Invitae), Labcorp
Classification: Uncertain significance for Hereditary breast ovarian cancer syndrome. Last evaluated: 2022-07-19. Review status: criteria provided, single submitter. Criteria: Invitae Variant Classification Sherloc (09022015). Collection method: clinical testing. Allele origin: germline.
Comment: This sequence change replaces threonine, which is neutral and polar, with asparagine, which is neutral and polar, at codon 367 of the BRCA1 protein (p.Thr367Asn). This variant is not present in population databases (gnomAD no frequency). This variant has not been reported in the literature in individuals affected with BRCA1-related conditions. In summary, the available evidence is currently insufficient to determine the role of this variant in disease. Therefore, it has been classified as a Variant of Uncertain Significance. Advanced modeling of protein sequence and biophysical properties (such as structural, functional, and spatial information, amino acid conservation, physicochemical variation, residue mobility, and thermodynamic stability) performed at Invitae indicates that this missense variant is not expected to disrupt BRCA1 protein function.